The following is an entry in ClinVar:

ClinVar aggregate classification (germline): Pathogenic (1 of 4 stars; one submission).

Submission:

Labcorp Genetics (formerly Invitae), Labcorp
Classification: Pathogenic. Last evaluated: 2020-04-01. Review status: criteria provided, single submitter. Criteria: Invitae Variant Classification Sherloc (09022015). Collection method: clinical testing. Allele origin: germline.
Comment: This sequence change creates a premature translational stop signal (p.Tyr450*) in the NEXMIF gene. It is expected to result in an absent or disrupted protein product. This variant is not present in population databases (ExAC no frequency). This variant has not been reported in the literature in individuals with NEXMIF-related conditions. Algorithms developed to predict the effect of sequence changes on RNA splicing suggest that this variant may create or strengthen a splice site, but this prediction has not been confirmed by published transcriptional studies. Loss-of-function variants in NEXMIF are known to be pathogenic (PMID: 23615299). For these reasons, this variant has been classified as Pathogenic.

Literature cited by the submitters: PubMed 23615299.

NM_001008537.3(NEXMIF):c.1350T>G (p.Tyr450Ter)

Gene: NEXMIF (neurite extension and migration factor; minus strand). Cytogenetic location: Xq13.3.
Variant type: single nucleotide variant.
Coding change: c.1350T>G on transcript NM_001008537.3 (MANE Select); coding-DNA position 1350, T replaced by G.
Protein change: p.Tyr450Ter; replaces tyrosine 450 with a stop codon.
Molecular consequence: nonsense.
Genome position (GRCh38, 1-based): chrX:74,743,207, A>C on the plus strand (T>G on the coding strand, the complement: NEXMIF is on the minus strand). VCF-style: chrX-74743207-A-C. GRCh37 (hg19) VCF-style: chrX-73963042-A-C.
Other names: short protein forms Y450*.
Identifiers: ClinVar variation 1071637 (VCV001071637.7), dbSNP rs2147441019, ClinGen allele CA413670707.